The following is an entry in ClinVar:

ClinVar aggregate classification (germline): Uncertain significance (1 of 4 stars; one submission).

Conditions:
Inborn genetic diseases. Identifiers: MedGen C0950123, MeSH D030342.

Submission:

Ambry Genetics
Classification: Uncertain significance for Inborn genetic diseases. Last evaluated: 2025-09-14. Review status: criteria provided, single submitter. Criteria: Ambry Variant Classification Scheme 2023. Collection method: clinical testing. Allele origin: germline.
Comment: The p.Q1070K variant (also known as c.3208C>A), located in coding exon 32 of the FANCA gene, results from a C to A substitution at nucleotide position 3208. The glutamine at codon 1070 is replaced by lysine, an amino acid with similar properties. This amino acid position is conserved. In addition, this alteration is predicted to be tolerated by in silico analysis. Based on the available evidence, the clinical significance of this variant remains unclear.

NM_000135.4(FANCA):c.3208C>A (p.Gln1070Lys)

Gene: FANCA (FA complementation group A; minus strand). Cytogenetic location: 16q24.3.
Variant type: single nucleotide variant.
Coding change: c.3208C>A on transcript NM_000135.4 (MANE Select); coding-DNA position 3208, C replaced by A.
Protein change: p.Gln1070Lys; replaces glutamine 1070 with lysine.
Molecular consequence: missense variant.
Genome position (GRCh38, 1-based): chr16:89,749,761, G>T on the plus strand (C>A on the coding strand, the complement: FANCA is on the minus strand). VCF-style: chr16-89749761-G-T. GRCh37 (hg19) VCF-style: chr16-89816169-G-T.
Other names: c.3208C>A, p.Gln1070Lys (NM_001286167.3); short protein forms Q1070K.
Identifiers: ClinVar variation 4254356 (VCV004254356.1).